The following is an entry in ClinVar:

NM_001148.6(ANK2):c.9141A>C (p.Glu3047Asp)

Gene: ANK2 (ankyrin 2; plus strand). Cytogenetic location: 4q26.
Variant type: single nucleotide variant.
Coding change: c.9141A>C on transcript NM_001148.6 (MANE Select); coding-DNA position 9141, A replaced by C.
Protein change: p.Glu3047Asp; replaces glutamic acid 3047 with aspartic acid.
Molecular consequence: missense variant. On other transcripts: intron variant (68).
Genome position (GRCh38, 1-based): chr4:113,357,759, A>C. VCF-style: chr4-113357759-A-C. GRCh37 (hg19) VCF-style: chr4-114278915-A-C.
Other names: c.8907A>C, p.Glu2969Asp (NM_001386142.1); c.5541A>C, p.Glu1847Asp (NM_001386166.1); c.9282A>C, p.Glu3094Asp (NM_001386174.1); c.9258A>C, p.Glu3086Asp (NM_001386175.1); c.4412-3064A>C (NM_001386186.2, NM_001386148.2); c.4214-3064A>C (NM_001354269.3); c.4292-3064A>C (NM_001386187.2); c.4253-3064A>C (NM_001386147.1); and 35 more; short protein forms E3047D, E1847D, E2969D, E3086D, E3094D.
Identifiers: ClinVar variation 954008 (VCV000954008.6), dbSNP rs1273694931, ClinGen allele CA357936682.

ClinVar aggregate classification (germline): Uncertain significance (1 of 4 stars; one submission).

Conditions:
Long QT syndrome (LQTS). Identifiers: MedGen C0023976, MeSH D008133, MONDO:0002442. Disease mechanism: loss of function. Inheritance: Various modes of inheritance.

Allele frequency attached by ClinVar (database versions not stated): gnomAD exomes below 0.00001.
gnomAD v4.1: 3 of 1,613,996 alleles (0.00019%); highest among the groups gnomAD compares: Non-Finnish European, 0.00017%; no homozygotes.

Submission:

Labcorp Genetics (formerly Invitae), Labcorp
Classification: Uncertain significance for Long QT syndrome. Last evaluated: 2019-09-03. Review status: criteria provided, single submitter. Criteria: Invitae Variant Classification Sherloc (09022015). Collection method: clinical testing. Allele origin: germline.
Comment: Algorithms developed to predict the effect of missense changes on protein structure and function are either unavailable or do not agree on the potential impact of this missense change (SIFT: "Tolerated"; PolyPhen-2: "Possibly Damaging"; Align-GVGD: "Class C0"). In summary, the available evidence is currently insufficient to determine the role of this variant in disease. Therefore, it has been classified as a Variant of Uncertain Significance. This variant has not been reported in the literature in individuals with ANK2-related conditions. This sequence change replaces glutamic acid with aspartic acid at codon 3047 of the ANK2 protein (p.Glu3047Asp). The glutamic acid residue is weakly conserved and there is a small physicochemical difference between glutamic acid and aspartic acid. This variant is not present in population databases (ExAC no frequency).